The following is an entry in ClinVar:

NM_015450.3(POT1):c.1831A>T (p.Asn611Tyr)

Gene: POT1 (protection of telomeres 1; minus strand). Cytogenetic location: 7q31.33.
Variant type: single nucleotide variant.
Coding change: c.1831A>T on transcript NM_015450.3 (MANE Select); coding-DNA position 1831, A replaced by T.
Protein change: p.Asn611Tyr; replaces asparagine 611 with tyrosine.
Molecular consequence: missense variant. On other transcripts: non-coding transcript variant (3).
Genome position (GRCh38, 1-based): chr7:124,824,036, T>A on the plus strand (A>T on the coding strand, the complement: POT1 is on the minus strand). VCF-style: chr7-124824036-T-A. GRCh37 (hg19) VCF-style: chr7-124464090-T-A.
Other names: c.1438A>T, p.Asn480Tyr (NM_001042594.2); short protein forms N480Y, N611Y.
Identifiers: ClinVar variation 4823617 (VCV004823617.4).
Genomic context (GRCh38, chr7:124,824,036, plus strand): 5'-CTGCAACTGTGGTGTCAAAAATCTGATAGCAAATTTGATTATCTGTTCCATTTGTGACAT[T>A]GTATGACTTGATGAAGCATTCCAACCACGGATATGCATCTACAAAAACAAAAACAAAAAA-3'
Protein context (NP_056265.2, residues 601-621): PWLECFIKSY[Asn611Tyr]VTNGTDNQIC

ClinVar aggregate classification (germline): Uncertain significance (1 of 4 stars; one submission).

Submission:

CeGaT Center for Human Genetics Tuebingen
Classification: Uncertain significance. Last evaluated: 2026-02-01. Review status: criteria provided, single submitter. Criteria: CeGaT Center For Human Genetics Tuebingen Variant Classification Criteria Version 2. Collection method: clinical testing. Allele origin: germline. Affected: yes. Observed: 1 variant allele.
Comment: POT1: PM2, BP4